The following is an entry in ClinVar:

ClinVar aggregate classification (germline): Uncertain significance (1 of 4 stars; one submission).

Conditions:
KMT2C-related disorder. Also called: KMT2C-related condition; KMT2C-related disorders.

Submission:

PreventionGenetics, part of Exact Sciences
Classification: Uncertain significance for KMT2C-related condition. Last evaluated: 2025-04-23. Review status: criteria provided, single submitter. Criteria: ACMG Guidelines, 2015. Collection method: clinical testing. Allele origin: germline.
Comment: The KMT2C c.718C>G variant is predicted to result in the amino acid substitution p.Gln240Glu. To our knowledge, this variant has not been reported in the literature or in a large population database (gnomAD), indicating this variant is rare. At this time, the clinical significance of this variant is uncertain due to the absence of conclusive functional and genetic evidence.

NM_170606.3(KMT2C):c.718C>G (p.Gln240Glu)

Gene: KMT2C (lysine methyltransferase 2C; minus strand). Cytogenetic location: 7q36.1.
Variant type: single nucleotide variant.
Coding change: c.718C>G on transcript NM_170606.3 (MANE Select); coding-DNA position 718, C replaced by G.
Protein change: p.Gln240Glu; replaces glutamine 240 with glutamic acid.
Molecular consequence: missense variant.
Genome position (GRCh38, 1-based): chr7:152,311,819, G>C on the plus strand (C>G on the coding strand, the complement: KMT2C is on the minus strand). VCF-style: chr7-152311819-G-C. GRCh37 (hg19) VCF-style: chr7-152008904-G-C.
Other names: short protein forms Q240E.
Identifiers: ClinVar variation 4988686 (VCV004988686.1).